The following is an entry in ClinVar:

NM_007294.4(BRCA1):c.152T>C (p.Leu51Pro)

Gene: BRCA1 (BRCA1 DNA repair associated; minus strand). Cytogenetic location: 17q21.31.
Variant type: single nucleotide variant.
Coding change: c.152T>C on transcript NM_007294.4 (MANE Select); coding-DNA position 152, T replaced by C.
Protein change: p.Leu51Pro; replaces leucine 51 with proline.
Molecular consequence: missense variant. On other transcripts: non-coding transcript variant (1).
Genome position (GRCh38, 1-based): chr17:43,106,516, A>G on the plus strand (T>C on the coding strand, the complement: BRCA1 is on the minus strand). VCF-style: chr17-43106516-A-G. GRCh37 (hg19) VCF-style: chr17-41258533-A-G.
Other names: c.11T>C, p.Leu4Pro (NM_001407740.1, NM_001407741.1, NM_001407742.1 and 99 more transcripts); c.-37T>C (NM_001407853.1, NM_001407879.1, NM_001407881.1 and 58 more transcripts); c.152T>C, p.Leu51Pro (NM_001407854.1, NM_001407858.1, NM_001407859.1 and 168 more transcripts); short protein forms L51P, L4P.
Identifiers: ClinVar variation 433685 (VCV000433685.10), dbSNP rs1555597285, ClinGen allele CA10601850.
Genomic context (GRCh38, chr17:43,106,516, plus strand): 5'-CTTTTGGTTATATCATTCTTACATAAAGGACACTGTGAAGGCCCTTTCTTCTGGTTGAGA[A>G]GTTTCAGCATGCAAAATCTATAAATTATAAAGAAAGAAAGAACAATTTAATTTACTTCCT-3'
Protein context (NP_009225.1, residues 41-61): HIFCKFCMLK[Leu51Pro]LNQKKGPSQC

ClinVar aggregate classification (germline): Uncertain significance. Review status: criteria provided, multiple submitters, no conflicts (2 of 4 stars). 3 submissions from 3 submitters: Uncertain significance (2). 1 of the submissions does not count toward it. Last evaluated 2023-11-02.

Conditions:
Hereditary cancer-predisposing syndrome. Also called: Neoplastic Syndromes, Hereditary; Hereditary neoplastic syndrome; Tumor predisposition; Hereditary Cancer Syndrome. Identifiers: Orphanet 140162, MedGen C0027672, MeSH D009386, MONDO:0015356.
Hereditary breast ovarian cancer syndrome. Also called: Hereditary breast and ovarian cancer syndrome (HBOC); BRCA1- and BRCA2-Associated Hereditary Breast and Ovarian Cancer; Hereditary breast and/or ovarian cancer syndrome; Hereditary breast and ovarian cancer syndrome; Hereditary breast and ovarian cancer; Breast and ovarian cancer. Identifiers: Orphanet 145, MedGen C0677776, MeSH D061325, MONDO:0003582. Disease mechanism: loss of function.

Allele frequency attached by ClinVar (database versions not stated): gnomAD exomes below 0.00001.

Submissions (4):

Labcorp Genetics (formerly Invitae), Labcorp
Classification: Uncertain significance for Hereditary breast ovarian cancer syndrome. Last evaluated: 2023-11-02. Review status: criteria provided, single submitter. Criteria: Invitae Variant Classification Sherloc (09022015). Collection method: clinical testing. Allele origin: germline.
Comment: This sequence change replaces leucine, which is neutral and non-polar, with proline, which is neutral and non-polar, at codon 51 of the BRCA1 protein (p.Leu51Pro). This variant is not present in population databases (gnomAD no frequency). This variant has not been reported in the literature in individuals affected with BRCA1-related conditions. ClinVar contains an entry for this variant (Variation ID: 433685). Advanced modeling performed at Invitae incorporating data from internal and/or published experimental studies (PMID: 30209399) indicates that this missense variant is expected to disrupt BRCA1 function with a positive predictive value of 95%. In summary, the available evidence is currently insufficient to determine the role of this variant in disease. Therefore, it has been classified as a Variant of Uncertain Significance.

Color Diagnostics, LLC DBA Color Health
Classification: Uncertain significance for Hereditary cancer-predisposing syndrome. Last evaluated: 2021-12-15. Review status: criteria provided, single submitter. Criteria: ACMG Guidelines, 2015. Collection method: clinical testing. Allele origin: germline.
Comment: This missense variant replaces leucine with proline at codon 51 of the BRCA1 protein. Computational prediction suggests that this variant may have deleterious impact on protein structure and function (internally defined REVEL score threshold >= 0.7, PMID: 27666373). A functional study has reported that this variant impacts BRCA1 function in a haploid human cell proliferation assay (PMID: 30209399). This variant has not been reported in individuals affected with hereditary cancer in the literature. This variant has not been identified in the general population by the Genome Aggregation Database (gnomAD). The available evidence is insufficient to determine the role of this variant in disease conclusively. Therefore, this variant is classified as a Variant of Uncertain Significance.

Brotman Baty Institute, University of Washington
No classification provided (evidence only). Condition: Breast-ovarian cancer, familial 1. Review status: no classification provided. Collection method: in vitro. Allele origin: not applicable. Functional consequence: functionally_abnormal. Not counted in ClinVar's aggregate classification.
ClinVar note: "not provided" was previously submitted as the classification for the variant. However, the classification appeared to be based only on an observation of functional data so it was converted to no classification on 2025-07-30.

Department of Pathology and Laboratory Medicine, Sinai Health System
Classification: Uncertain significance. Review status: no assertion criteria provided. Collection method: clinical testing. Allele origin: unknown. Affected: yes. Observed: 1 variant allele. Study: The Canadian Open Genetics Repository (COGR). Not counted in ClinVar's aggregate classification.
Comment: The p.Leu51Pro variant was not identified in the literature but was identified in ClinVar databases by the Laboratory for Molecular Medicine, as a variant with uncertain significance. The variant was not identified in the in the dbSNP, NHLBI Exome Sequencing Project (Exome Variant Server), HGMD, LOVD, COSMIC, UMD, or BIC databases. The p.Leu51 residue is conserved across mammals and lower organisms, and computational analyses (PolyPhen-2, SIFT, AlignGVGD, BLOSUM, MutationTaster) suggest that the Pro variant may impact the protein. However, this information is not predictive enough to assume pathogenicity. The variant occurs within the â€šÃ„ÃºZinc finger, RING-typeâ€šÃ„Ã¹ protein domain and variants in this region have been shown to impact the protein. In summary, based on the above information, the clinical significance of this variant cannot be determined with certainty at this time. This variant is classified as variant of unknown significance.

Literature cited by the submitters: PubMed 30209399 (cited by Labcorp Genetics (formerly Invitae), Labcorp and Color Diagnostics, LLC DBA Color Health).